The following is an entry in ClinVar:

NM_003601.4(SMARCA5):c.1477C>G (p.Pro493Ala)

Gene: SMARCA5 (SNF2 related chromatin remodeling ATPase 5; plus strand). Cytogenetic location: 4q31.21.
Variant type: single nucleotide variant.
Coding change: c.1477C>G on transcript NM_003601.4 (MANE Select); coding-DNA position 1477, C replaced by G.
Protein change: p.Pro493Ala; replaces proline 493 with alanine.
Molecular consequence: missense variant.
Genome position (GRCh38, 1-based): chr4:143,536,660, C>G. VCF-style: chr4-143536660-C-G. GRCh37 (hg19) VCF-style: chr4-144457813-C-G.
Other names: short protein forms P493A.
Identifiers: ClinVar variation 4755897 (VCV004755897.1).
Genomic context (GRCh38, chr4:143,536,660, plus strand): 5'-ACAACAGATATGCATCTAGTAACCAACAGTGGCAAAATGGTGGTTTTAGACAAGCTGCTC[C>G]CTAAGTTAAAAGAACAAGGTATCGGTTACCCGTATCAAATTATCAAAACTGTTTTAAAAT-3'
Protein context (NP_003592.3, residues 483-503): GKMVVLDKLL[Pro493Ala]KLKEQGSRVL

ClinVar aggregate classification (germline): Uncertain significance (1 of 4 stars; one submission).

Submission:

GeneDx
Classification: Uncertain significance. Last evaluated: 2025-08-06. Review status: criteria provided, single submitter. Criteria: GeneDx Variant Classification Process June 2021. Collection method: clinical testing. Allele origin: germline. Affected: yes.
Comment: Not observed at significant frequency in large population cohorts (gnomAD); In silico analysis supports that this missense variant has a deleterious effect on protein structure/function; Has not been previously published as pathogenic or benign to our knowledge